The following is an entry in ClinVar:

NM_139318.5(KCNH5):c.775C>T (p.Leu259=)

Gene: KCNH5 (potassium voltage-gated channel subfamily H member 5; minus strand). Cytogenetic location: 14q23.2.
Variant type: single nucleotide variant.
Coding change: c.775C>T on transcript NM_139318.5 (MANE Select); coding-DNA position 775, C replaced by T.
Protein change: p.Leu259=; no amino-acid change (leucine 259 retained).
Molecular consequence: synonymous variant.
Genome position (GRCh38, 1-based): chr14:62,981,039, G>A on the plus strand (C>T on the coding strand, the complement: KCNH5 is on the minus strand). VCF-style: chr14-62981039-G-A. GRCh37 (hg19) VCF-style: chr14-63447757-G-A.
Other names: c.775C>T, p.Leu259= (NM_172375.3).
Identifiers: ClinVar variation 461400 (VCV000461400.22), dbSNP rs142666361, ClinGen allele CA7217593.

ClinVar aggregate classification (germline): Benign/Likely benign. Review status: criteria provided, multiple submitters, no conflicts (2 of 4 stars). 3 submissions from 3 submitters: Benign (2); Likely benign (1). Last evaluated 2026-03-01.

Conditions:
Early-infantile DEE. Also called: Early infantile epileptic encephalopathy; Ohtahara syndrome; Early infantile epileptic encephalopathy with suppression bursts. Identifiers: Orphanet 1934, MedGen C0393706, MONDO:0800491.

Allele frequency attached by ClinVar (database versions not stated): gnomAD exomes 0.00022 and 0.00053; ExAC 0.00068; 1000 Genomes Project 0.00180; 1000 Genomes Project 30x 0.00203; ESP Exome Variant Server 0.00238; gnomAD 0.00240 and 0.00262; TOPMed 0.00249.
gnomAD v4.1: 702 of 1,614,140 alleles (0.043%); highest among the groups gnomAD compares: African/African-American, 0.83%; 3 homozygotes.

Submissions (3):

CeGaT Center for Human Genetics Tuebingen
Classification: Likely benign. Last evaluated: 2026-03-01. Review status: criteria provided, single submitter. Criteria: CeGaT Center For Human Genetics Tuebingen Variant Classification Criteria Version 2. Collection method: clinical testing. Allele origin: germline. Affected: yes. Observed: 2 variant alleles.
Comment: KCNH5: BP4, BS1

Labcorp Genetics (formerly Invitae), Labcorp
Classification: Benign for Early-infantile DEE. Last evaluated: 2026-01-28. Review status: criteria provided, single submitter. Criteria: Invitae Variant Classification Sherloc (09022015). Collection method: clinical testing. Allele origin: germline.

Breakthrough Genomics
Classification: Benign. Review status: criteria provided, single submitter. Criteria: ACMG Guidelines, 2015. Collection method: not provided. Allele origin: germline. Inheritance: Unknown mechanism. Affected: yes.